The following is an entry in ClinVar:

ClinVar aggregate classification (germline): Conflicting classifications of pathogenicity. Review status: criteria provided, conflicting classifications (1 of 4 stars). 3 submissions from 3 submitters: Pathogenic (1); Uncertain significance (2). Last evaluated 2026-09-15.

Conditions:
Inborn genetic diseases. Identifiers: MedGen C0950123, MeSH D030342.
Charcot-Marie-Tooth disease type 2E (CMT2E). Also called: CHARCOT-MARIE-TOOTH DISEASE, AXONAL, TYPE 2E; CHARCOT-MARIE-TOOTH NEUROPATHY, TYPE 2E. Identifiers: Orphanet 99939, MedGen C1843225, MONDO:0011894, OMIM 607684.

Allele frequency attached by ClinVar (database versions not stated): gnomAD exomes below 0.00001.

Submissions (3):

GeneDx
Classification: Uncertain significance. Last evaluated: 2026-09-15. Review status: criteria provided, single submitter. Criteria: GeneDx Variant Classification Process June 2021. Collection method: clinical testing. Allele origin: germline.
Comment: Not observed at significant frequency in large population cohorts (gnomAD); In silico analysis supports that this missense variant has a deleterious effect on protein structure/function; Has not been previously published as pathogenic or benign to our knowledge

Ambry Genetics
Classification: Uncertain significance for Inborn genetic diseases. Last evaluated: 2023-11-08. Review status: criteria provided, single submitter. Criteria: Ambry Variant Classification Scheme 2023. Collection method: clinical testing. Allele origin: germline.

Labcorp Genetics (formerly Invitae), Labcorp
Classification: Pathogenic for Charcot-Marie-Tooth disease type 2E. Last evaluated: 2023-10-17. Review status: criteria provided, single submitter. Criteria: Invitae Variant Classification Sherloc (09022015). Collection method: clinical testing. Allele origin: germline.
Comment: This sequence change replaces glutamic acid, which is acidic and polar, with lysine, which is basic and polar, at codon 266 of the NEFL protein (p.Glu266Lys). This variant is present in population databases (no rsID available, gnomAD 0.0009%). This missense change has been observed in individual(s) with autosomal dominant NEFL-related conditions (Invitae). In at least one individual the variant was observed to be de novo. ClinVar contains an entry for this variant (Variation ID: 464928). Advanced modeling of protein sequence and biophysical properties (such as structural, functional, and spatial information, amino acid conservation, physicochemical variation, residue mobility, and thermodynamic stability) performed at Invitae indicates that this missense variant is expected to disrupt NEFL protein function. For these reasons, this variant has been classified as Pathogenic.

NM_006158.5(NEFL):c.796G>A (p.Glu266Lys)

Gene: NEFL (neurofilament light chain; minus strand). Cytogenetic location: 8p21.2.
Variant type: single nucleotide variant.
Coding change: c.796G>A on transcript NM_006158.5 (MANE Select); coding-DNA position 796, G replaced by A.
Protein change: p.Glu266Lys; replaces glutamic acid 266 with lysine.
Molecular consequence: missense variant.
Genome position (GRCh38, 1-based): chr8:24,955,720, C>T on the plus strand (G>A on the coding strand, the complement: NEFL is on the minus strand). VCF-style: chr8-24955720-C-T. GRCh37 (hg19) VCF-style: chr8-24813234-C-T.
Other names: c.796G>A (NM_006158.3); short protein forms E266K.
Identifiers: ClinVar variation 464928 (VCV000464928.10), dbSNP rs1411999109, ClinGen allele CA370621613.